The following is an entry in ClinVar:

ClinVar aggregate classification (germline): Uncertain significance. Review status: criteria provided, multiple submitters, no conflicts (2 of 4 stars). 2 submissions from 2 submitters: Uncertain significance (2). Last evaluated 2024-03-27.

gnomAD v4.1: 1 of 1,558,266 alleles (0.000064%); highest among the groups gnomAD compares: Non-Finnish European, 0.000087%; no homozygotes.

Submissions (2):

GeneDx
Classification: Uncertain significance. Last evaluated: 2024-03-27. Review status: criteria provided, single submitter. Criteria: GeneDx Variant Classification Process June 2021. Collection method: clinical testing. Allele origin: germline. Affected: yes.
Comment: Not observed at significant frequency in large population cohorts (gnomAD); In silico analysis supports that this missense variant has a deleterious effect on protein structure/function; Has not been previously published as pathogenic or benign to our knowledge

Labcorp Genetics (formerly Invitae), Labcorp
Classification: Uncertain significance. Last evaluated: 2023-11-14. Review status: criteria provided, single submitter. Criteria: Invitae Variant Classification Sherloc (09022015). Collection method: clinical testing. Allele origin: germline.
Comment: This sequence change replaces alanine, which is neutral and non-polar, with threonine, which is neutral and polar, at codon 139 of the RAB11B protein (p.Ala139Thr). This variant is not present in population databases (gnomAD no frequency). This variant has not been reported in the literature in individuals affected with RAB11B-related conditions. An algorithm developed to predict the effect of missense changes on protein structure and function (PolyPhen-2) suggests that this variant is likely to be disruptive. In summary, the available evidence is currently insufficient to determine the role of this variant in disease. Therefore, it has been classified as a Variant of Uncertain Significance.

NM_004218.4(RAB11B):c.415G>A (p.Ala139Thr)

Gene: RAB11B (RAB11B, member RAS oncogene family; plus strand). Cytogenetic location: 19p13.2.
Variant type: single nucleotide variant.
Coding change: c.415G>A on transcript NM_004218.4 (MANE Select); coding-DNA position 415, G replaced by A.
Protein change: p.Ala139Thr; replaces alanine 139 with threonine.
Molecular consequence: missense variant.
Genome position (GRCh38, 1-based): chr19:8,402,264, G>A. VCF-style: chr19-8402264-G-A. GRCh37 (hg19) VCF-style: chr19-8467148-G-A.
Other names: c.415G>A (NM_004218.3); short protein forms A139T.
Identifiers: ClinVar variation 2695664 (VCV002695664.4), dbSNP rs2512747658, ClinGen allele CA403714784.